The following is an entry in ClinVar:

NM_000222.3(KIT):c.1837A>G (p.Lys613Glu)

Gene: KIT (KIT proto-oncogene, receptor tyrosine kinase; plus strand). Cytogenetic location: 4q12.
Variant type: single nucleotide variant.
Coding change: c.1837A>G on transcript NM_000222.3 (MANE Select); coding-DNA position 1837, A replaced by G.
Protein change: p.Lys613Glu; replaces lysine 613 with glutamic acid.
Molecular consequence: missense variant.
Genome position (GRCh38, 1-based): chr4:54,727,885, A>G. VCF-style: chr4-54727885-A-G. GRCh37 (hg19) VCF-style: chr4-55594051-A-G.
Other names: c.1825A>G, p.Lys609Glu (NM_001093772.2, NM_001385286.1); c.1840A>G, p.Lys614Glu (NM_001385284.1, NM_001385290.1); c.1837A>G, p.Lys613Glu (NM_001385285.1); c.1828A>G, p.Lys610Glu (NM_001385288.1, NM_001385292.1); short protein forms K610E, K613E, K609E, K614E.
Identifiers: ClinVar variation 1353779 (VCV001353779.8), dbSNP rs2109779899, ClinGen allele CA356908104.

ClinVar aggregate classification (germline): Uncertain significance (1 of 4 stars; one submission).

Conditions:
Gastrointestinal stromal tumor. Also called: Gastrointestinal stroma tumor; Gastrointestinal stromal tumor, somatic. Identifiers: Orphanet 44890, MedGen C0238198, MeSH D046152, MONDO:0011719, OMIM 606764, HP:0100723.

Submission:

Labcorp Genetics (formerly Invitae), Labcorp
Classification: Uncertain significance for Gastrointestinal stromal tumor. Last evaluated: 2021-05-15. Review status: criteria provided, single submitter. Criteria: Invitae Variant Classification Sherloc (09022015). Collection method: clinical testing. Allele origin: germline.
Comment: This variant is not present in population databases (ExAC no frequency). This sequence change replaces lysine with glutamic acid at codon 613 of the KIT protein (p.Lys613Glu). The lysine residue is highly conserved and there is a small physicochemical difference between lysine and glutamic acid. This variant has not been reported in the literature in individuals with KIT-related conditions. Algorithms developed to predict the effect of missense changes on protein structure and function (SIFT, PolyPhen-2, Align-GVGD) all suggest that this variant is likely to be disruptive, but these predictions have not been confirmed by published functional studies and their clinical significance is uncertain. In summary, the available evidence is currently insufficient to determine the role of this variant in disease. Therefore, it has been classified as a Variant of Uncertain Significance.